The following is an entry in ClinVar:

NM_001360016.2(G6PD):c.485+3A>G

Gene: G6PD (glucose-6-phosphate dehydrogenase; minus strand). Cytogenetic location: Xq28.
Variant type: single nucleotide variant.
Coding change: c.485+3A>G on transcript NM_001360016.2 (MANE Select); 3 bases into the intron after coding-DNA position 485, A replaced by G.
Molecular consequence: intron variant.
Genome position (GRCh38, 1-based): chrX:154,535,165, T>C on the plus strand (A>G on the coding strand, the complement: G6PD is on the minus strand). VCF-style: chrX-154535165-T-C. GRCh37 (hg19) VCF-style: chrX-153763380-T-C.
Other names: c.575+3A>G (NM_000402.4); c.485+3A>G (NM_001042351.3).
Identifiers: ClinVar variation 2889501 (VCV002889501.4), dbSNP rs2070392633, ClinGen allele CA2466724514.

ClinVar aggregate classification (germline): Uncertain significance. Review status: criteria provided, multiple submitters, no conflicts (2 of 4 stars). 2 submissions from 2 submitters: Uncertain significance (2). Last evaluated 2023-11-20.

Conditions:
Anemia, nonspherocytic hemolytic, due to G6PD deficiency (CNSHA1). Also called: Hemolytic anemia due to G6PD deficiency; ANEMIA, CONGENITAL, NONSPHEROCYTIC HEMOLYTIC, 1; Class I glucose-6-phosphate dehydrogenase deficiency; Favism, susceptibility to. Identifiers: Orphanet 466026, MedGen C2720289, MONDO:0010480, OMIM 300908.

Allele frequency attached by ClinVar (database versions not stated): gnomAD exomes below 0.00001.
gnomAD v4.1: 4 of 1,208,569 alleles (0.00033%); highest among the groups gnomAD compares: East Asian, 0.003%; no homozygotes.

Submissions (2):

Blueprint Genetics
Classification: Uncertain significance. Last evaluated: 2023-11-20. Review status: criteria provided, single submitter. Criteria: ACMG Guidelines, 2015. Collection method: clinical testing. Allele origin: germline.

Labcorp Genetics (formerly Invitae), Labcorp
Classification: Uncertain significance for Anemia, nonspherocytic hemolytic, due to G6PD deficiency. Last evaluated: 2023-06-30. Review status: criteria provided, single submitter. Criteria: Invitae Variant Classification Sherloc (09022015). Collection method: clinical testing. Allele origin: germline.
Comment: This sequence change falls in intron 5 of the G6PD gene. It does not directly change the encoded amino acid sequence of the G6PD protein. It affects a nucleotide within the consensus splice site. This variant is not present in population databases (gnomAD no frequency). This variant has not been reported in the literature in individuals affected with G6PD-related conditions. Variants that disrupt the consensus splice site are a relatively common cause of aberrant splicing (PMID: 17576681, 9536098). Algorithms developed to predict the effect of sequence changes on RNA splicing suggest that this variant is not likely to affect RNA splicing. In summary, the available evidence is currently insufficient to determine the role of this variant in disease. Therefore, it has been classified as a Variant of Uncertain Significance.

Literature cited by the submitters: PubMed 17576681 (cited by Labcorp Genetics (formerly Invitae), Labcorp); PubMed 9536098 (cited by Labcorp Genetics (formerly Invitae), Labcorp).